The following is an entry in ClinVar:

ClinVar aggregate classification (germline): Uncertain significance. Review status: criteria provided, multiple submitters, no conflicts (2 of 4 stars). 3 submissions from 3 submitters: Uncertain significance (3). Last evaluated 2026-05-23.

Conditions:
RASopathy. Also called: Noonan spectrum disorder; rasopathies. Identifiers: Orphanet 536391, MedGen C5555857, MONDO:0021060.
Cardiovascular phenotype. Identifiers: MedGen CN230736.

Submissions (3):

Ambry Genetics
Classification: Uncertain significance for Cardiovascular phenotype. Last evaluated: 2026-05-23. Review status: criteria provided, single submitter. Criteria: Ambry Variant Classification Scheme 2023. Collection method: clinical testing. Allele origin: germline.
Comment: The p.S85F variant (also known as c.254C>T), located in coding exon 1 of the SHOC2 gene, results from a C to T substitution at nucleotide position 254. The serine at codon 85 is replaced by phenylalanine, an amino acid with highly dissimilar properties. This amino acid position is conserved. In addition, the in silico prediction for this alteration is inconclusive. Based on the available evidence, the clinical significance of this variant remains unclear.

GeneDx
Classification: Uncertain significance. Last evaluated: 2025-08-21. Review status: criteria provided, single submitter. Criteria: GeneDx Variant Classification Process June 2021. Collection method: clinical testing. Allele origin: germline.
Comment: Not observed at significant frequency in large population cohorts (gnomAD); In silico analysis suggests that this missense variant does not alter protein structure/function; Has not been previously published as pathogenic or benign to our knowledge

Labcorp Genetics (formerly Invitae), Labcorp
Classification: Uncertain significance for RASopathy. Last evaluated: 2024-11-05. Review status: criteria provided, single submitter. Criteria: Invitae Variant Classification Sherloc (09022015). Collection method: clinical testing. Allele origin: germline.
Comment: This sequence change replaces serine, which is neutral and polar, with phenylalanine, which is neutral and non-polar, at codon 85 of the SHOC2 protein (p.Ser85Phe). This variant is not present in population databases (gnomAD no frequency). This variant has not been reported in the literature in individuals affected with SHOC2-related conditions. ClinVar contains an entry for this variant (Variation ID: 1025311). Invitae Evidence Modeling of protein sequence and biophysical properties (such as structural, functional, and spatial information, amino acid conservation, physicochemical variation, residue mobility, and thermodynamic stability) indicates that this missense variant is not expected to disrupt SHOC2 protein function with a negative predictive value of 80%. In summary, the available evidence is currently insufficient to determine the role of this variant in disease. Therefore, it has been classified as a Variant of Uncertain Significance.

NM_007373.4(SHOC2):c.254C>T (p.Ser85Phe)

Gene: SHOC2 (SHOC2 leucine rich repeat scaffold protein; plus strand). Cytogenetic location: 10q25.2.
Variant type: single nucleotide variant.
Coding change: c.254C>T on transcript NM_007373.4 (MANE Select); coding-DNA position 254, C replaced by T.
Protein change: p.Ser85Phe; replaces serine 85 with phenylalanine.
Molecular consequence: missense variant.
Genome position (GRCh38, 1-based): chr10:110,964,612, C>T. VCF-style: chr10-110964612-C-T. GRCh37 (hg19) VCF-style: chr10-112724370-C-T.
Other names: c.254C>T, p.Ser85Phe (NM_001269039.3, NM_001324336.2, NM_001324337.2); c.254C>T (NM_007373.3); short protein forms S85F.
Identifiers: ClinVar variation 1025311 (VCV001025311.10), dbSNP rs1847637817, ClinGen allele CA378383076.
Genomic context (GRCh38, chr10:110,964,612, plus strand): 5'-CATTTTCAGTTGACAATACGATCAAACGGCCAAACCCAGCACCTGGGACTAGAAAAAAAT[C>T]CAGCAATGCAGAGGTGATTAAAGAGCTCAACAAATGCCGGGAAGAGAATTCAATGCGTTT-3'
Protein context (NP_031399.2, residues 75-95): PNPAPGTRKK[Ser85Phe]SNAEVIKELN